The following is an entry in ClinVar:

ClinVar aggregate classification (germline): Uncertain significance (1 of 4 stars; one submission).

Submission:

GeneDx
Classification: Uncertain significance. Last evaluated: 2025-05-27. Review status: criteria provided, single submitter. Criteria: GeneDx Variant Classification Process June 2021. Collection method: clinical testing. Allele origin: germline. Affected: yes.
Comment: Not observed at significant frequency in large population cohorts (gnomAD); In silico analysis supports that this missense variant has a deleterious effect on protein structure/function; Has not been previously published as pathogenic or benign to our knowledge

NM_001172509.2(SATB2):c.667G>C (p.Gly223Arg)

Gene: SATB2 (SATB homeobox 2; minus strand). Cytogenetic location: 2q33.1.
Variant type: single nucleotide variant.
Coding change: c.667G>C on transcript NM_001172509.2 (MANE Select); coding-DNA position 667, G replaced by C.
Protein change: p.Gly223Arg; replaces glycine 223 with arginine.
Molecular consequence: missense variant.
Genome position (GRCh38, 1-based): chr2:199,368,638, C>G on the plus strand (G>C on the coding strand, the complement: SATB2 is on the minus strand). VCF-style: chr2-199368638-C-G. GRCh37 (hg19) VCF-style: chr2-200233361-C-G.
Other names: c.667G>C, p.Gly223Arg (NM_001172517.1, NM_015265.4); short protein forms G223R.
Identifiers: ClinVar variation 4532565 (VCV004532565.1).
Genomic context (GRCh38, chr2:199,368,638, plus strand): 5'-GCTTTACAAACAAAAAAGTCAGTTTACCTTTAATCTTCTTGTACTTTTTATACCATCTCC[C>G]AAACTCCTGGCACTTGGTTGCTGACACATTGGCATAATATGTGCTATTTACAATGGATGA-3'
Protein context (NP_001165980.1, residues 213-233): NVSATKCQEF[Gly223Arg]RWYKKYKKIK